The following is an entry in ClinVar:

ClinVar aggregate classification (germline): Pathogenic (1 of 4 stars; one submission).

Submission:

Labcorp Genetics (formerly Invitae), Labcorp
Classification: Pathogenic. Last evaluated: 2022-07-18. Review status: criteria provided, single submitter. Criteria: Invitae Variant Classification Sherloc (09022015). Collection method: clinical testing. Allele origin: germline.
Comment: This sequence change creates a premature translational stop signal (p.Pro875Leufs*28) in the PI4KA gene. It is expected to result in an absent or disrupted protein product. Loss-of-function variants in PI4KA are known to be pathogenic (PMID: 34415322). The frequency data for this variant in the population databases is considered unreliable, as metrics indicate poor data quality at this position in the gnomAD database. This variant has not been reported in the literature in individuals affected with PI4KA-related conditions. For these reasons, this variant has been classified as Pathogenic.

Literature cited by the submitters: PubMed 34415322.

NM_058004.4(PI4KA):c.2624del (p.Pro875fs)

Gene: PI4KA (phosphatidylinositol 4-kinase alpha; minus strand). Cytogenetic location: 22q11.21.
Variant type: Deletion.
Coding change: c.2624del on transcript NM_058004.4 (MANE Select); coding-DNA position 2624, one base deleted (C; older notation c.2624delC).
Protein change: p.Pro875fs; shifts the reading frame from proline 875.
Molecular consequence: frameshift variant.
Genome position (GRCh38, 1-based): chr22:20,764,901, G deleted on the plus strand (C on the coding strand, the reverse complement: PI4KA is on the minus strand); the first of 6 consecutive G bases (chr22:20,764,901-20,764,906); deleting any one gives the same sequence. VCF-style (leftmost placement, unchanged base first): chr22-20764900-AG-A. GRCh37 (hg19) VCF-style: chr22-21119188-AG-A.
Other names: c.2624del, p.Pro875fs (NM_001362862.2); c.2558del, p.Pro853fs (NM_001362863.2); short protein forms P875fs, P853fs.
Identifiers: ClinVar variation 2175799 (VCV002175799.1), dbSNP rs747391554, ClinGen allele CA10115662.